The following is an entry in ClinVar:

NM_001040108.2(MLH3):c.4048C>G (p.Pro1350Ala)

Gene: MLH3 (mutL homolog 3; minus strand). Cytogenetic location: 14q24.3.
Variant type: single nucleotide variant.
Coding change: c.4048C>G on transcript NM_001040108.2 (MANE Select); coding-DNA position 4048, C replaced by G.
Protein change: p.Pro1350Ala; replaces proline 1350 with alanine.
Molecular consequence: missense variant.
Genome position (GRCh38, 1-based): chr14:75,022,856, G>C on the plus strand (C>G on the coding strand, the complement: MLH3 is on the minus strand). VCF-style: chr14-75022856-G-C. GRCh37 (hg19) VCF-style: chr14-75489559-G-C.
Other names: c.3976C>G, p.Pro1326Ala (NM_014381.3); short protein forms P1326A, P1350A.
Identifiers: ClinVar variation 3232567 (VCV003232567.1), dbSNP rs2503068838, ClinGen allele CA390420787.
Genomic context (GRCh38, chr14:75,022,856, plus strand): 5'-CTATGTTGAAGGGCTTACCATGGCAGGCTTGGGATGCCAACACCTTCTGGACAGTCAGTG[G>C]CAATGTCCCTTGGATGCCTCCGGTGGTCTGGAGTAGCTAATGCATAAACACGTTATTAAC-3'
Protein context (NP_001035197.1, residues 1340-1360): QTTGGIQGTL[Pro1350Ala]LTVQKVLASQ

ClinVar aggregate classification (germline): Uncertain significance (1 of 4 stars; one submission).

Submission:

Ambry Genetics
Classification: Uncertain significance. Last evaluated: 2023-12-29. Review status: criteria provided, single submitter. Criteria: Ambry Variant Classification Scheme 2023. Collection method: clinical testing. Allele origin: germline.
Comment: The p.P1350A variant (also known as c.4048C>G), located in coding exon 10 of the MLH3 gene, results from a C to G substitution at nucleotide position 4048. The proline at codon 1350 is replaced by alanine, an amino acid with highly similar properties. This amino acid position is conserved. In addition, this alteration is predicted to be deleterious by in silico analysis. Since supporting evidence is limited at this time, the clinical significance of this alteration remains unclear.